The following is an entry in ClinVar:

NM_000257.4(MYH7):c.728G>A (p.Arg243His)

Gene: MYH7 (myosin heavy chain 7; minus strand). Cytogenetic location: 14q11.2.
Variant type: single nucleotide variant.
Coding change: c.728G>A on transcript NM_000257.4 (MANE Select); coding-DNA position 728, G replaced by A.
Protein change: p.Arg243His; replaces arginine 243 with histidine.
Molecular consequence: missense variant.
Genome position (GRCh38, 1-based): chr14:23,431,589, C>T on the plus strand (G>A on the coding strand, the complement: MYH7 is on the minus strand). VCF-style: chr14-23431589-C-T. GRCh37 (hg19) VCF-style: chr14-23900798-C-T.
Other names: p.R243H:CGC>CAC; NM_000257.4(MYH7):c.728G>A; c.728G>A, p.Arg243His (LRG_384t1); short protein forms R243H.
Identifiers: ClinVar variation 14126 (VCV000014126.40), dbSNP rs267606910, ClinGen allele CA016701.

ClinVar aggregate classification (germline): Uncertain significance. Review status: reviewed by expert panel (3 of 4 stars). 16 submissions from 15 submitters: Uncertain significance (1). 15 of the submissions do not count toward it. Last evaluated 2025-11-11.

Conditions:
MYH7-related disorder. Also called: MYH7-related disorders; MYH7-related condition; MYH7-related disease.
Cardiovascular phenotype. Identifiers: MedGen CN230736.
Cardiomyopathy (CMYO). Also called: Cardiomyopathies. Identifiers: Orphanet 167848, MedGen C0878544, MONDO:0004994, HP:0001638. Inheritance: Various modes of inheritance.
Hypertrophic cardiomyopathy 1 (CMH1). Also called: Familial hypertrophic cardiomyopathy 1; MYH7-Related Familial Hypertrophic Cardiomyopathy. Identifiers: MedGen C3495498, MONDO:0008647, OMIM 192600.
Left ventricular noncompaction 5 (LVNC5). Identifiers: MedGen C3150690, MONDO:0800351.
Wolff-Parkinson-White pattern. Also called: Auriculoventricular accessory pathway syndrome; False bundle branch block syndrome; Anomalous ventricular excitation syndrome; WPW SYNDROME. Identifiers: MedGen C0043202, MONDO:0008685, OMIM 194200, HP:0001716.
Hypertrophic cardiomyopathy. Also called: HYPERTROPHIC MYOCARDIOPATHY. Identifiers: Orphanet 217569, MedGen C0007194, MeSH D002312, MONDO:0005045, HP:0001639.

Allele frequency attached by ClinVar (database versions not stated): gnomAD exomes below 0.00001 and 0.00001; ExAC 0.00001.
gnomAD v4.1: 2 of 1,614,246 alleles (0.00012%); highest among the groups gnomAD compares: Non-Finnish European, 0.00017%; no homozygotes.

Submissions 1 to 10 of 16:

ClinGen Cardiomyopathy Variant Curation Expert Panel
Classification: Uncertain significance for Hypertrophic cardiomyopathy. Last evaluated: 2025-11-11. Review status: reviewed by expert panel. Criteria: ClinGen CMP ACMG Specifications v1. Collection method: curation. Allele origin: germline. Inheritance: Autosomal dominant inheritance.
Comment: The c.728G>A (p.Arg243His) variant in MYH7 has been identified in 3 individuals with HCM (Arad 2005 PMID:16267253; van Velzen 2016 PMID:27476098; GeneDx pers. comm.), 2 individuals with DCM (one of whom carried a VUS in another DCM gene; Walsh 2017 PMID:27532257; GeneDx pers. Walsh 2017 PMID:27532257; GeneDx pers. comm.; Invitae pers. comm.). This variant segregated in 7 individuals with LVNC, 1 with LV dysfunction, and 1 with DCM from 5 families (Klaassen et al 2008, PMID 18506004; GeneDx, pers. comm.; Invitae, pers. comm.; OMGL, pers. comm.). While this variant has been reported in multiple phenotypes, there is conflicting evidence on whether isolated LVNC is a Mendelian disease and therefore those cases without additional cardiomyopathy features are not currently being counted. Therefore, the PS4_Supporting criterion is being applied for the DCM phenotypes. Additionally, current evidence is insufficient to establish segregation with DCM or HCM and therefore the PP1 criterion has not been applied. This variant was identified in 0.003% (1/34592) of Latino chromosomes in gnomAD v2.1.1 (PM2). This variant lies in the head region of the protein (aa 181-937) and while missense variants in this region are statistically more likely to be associated with HCM (Walsh 2017 PMID:27532257), location in this region cannot be used to support pathogenicity for other phenotypes that are predominant for this variant; therefore PM1 is not applicable. Computational prediction tools and conservation analysis suggest that this variant may impact the protein (PP3). In summary, due to variable and conflicting evidence, this variant is classified as uncertain significance for inherited cardiomyopathy in an autosomal dominant manner. MYH7-specific ACMG/AMP criteria applied (Kelly 2018 PMID:29300372): PS4_Supporting, PM2, PP3.

GeneDx
Classification: Likely pathogenic. Last evaluated: 2026-08-19. Review status: criteria provided, single submitter. Criteria: GeneDx Variant Classification Process June 2021. Collection method: clinical testing. Allele origin: germline. Not counted in ClinVar's aggregate classification.
Comment: Not observed at significant frequency in large population cohorts (gnomAD); In silico analysis supports that this missense variant has a deleterious effect on protein structure/function; This variant is associated with the following publications: (PMID: 27066506, 21551322, 27532257, 20031619, 24268868, 28606303, 26183555, 16267253, 20965760, 27247418, 29447731, 21310275, 12749056, 32233023, 33500567, 34819141, 30275503, 35931685, 35216312, 37652022, 27476098, 27788187, 31447099, 34540771, 37842866, 18506004, 29300372)

CeGaT Center for Human Genetics Tuebingen
Classification: Pathogenic. Last evaluated: 2026-01-01. Review status: criteria provided, single submitter. Criteria: CeGaT Center For Human Genetics Tuebingen Variant Classification Criteria Version 2. Collection method: clinical testing. Allele origin: germline. Affected: yes. Observed: 1 variant allele. Not counted in ClinVar's aggregate classification.
Comment: MYH7: PS4, PM1, PM2, PM5:Supporting, PP3

Labcorp Genetics (formerly Invitae), Labcorp
Classification: Pathogenic for Hypertrophic cardiomyopathy. Last evaluated: 2025-11-24. Review status: criteria provided, single submitter. Criteria: Invitae Variant Classification Sherloc (09022015). Collection method: clinical testing. Allele origin: germline. Not counted in ClinVar's aggregate classification.
Comment: This sequence change replaces arginine, which is basic and polar, with histidine, which is basic and polar, at codon 243 of the MYH7 protein (p.Arg243His). This variant is present in population databases (rs267606910, gnomAD 0.003%). This missense change has been observed in individuals with left ventricular non-compaction cardiomyopathy (LVNC) (PMID: 18506004, 20965760, 21551322). It has also been observed to segregate with disease in related individuals. ClinVar contains an entry for this variant (Variation ID: 14126). Invitae Evidence Modeling of protein sequence and biophysical properties (such as structural, functional, and spatial information, amino acid conservation, physicochemical variation, residue mobility, and thermodynamic stability) indicates that this missense variant is expected to disrupt MYH7 protein function with a positive predictive value of 95%. This variant is found within a region of MYH7 between codons 181 and 937 that contains the majority of the myosin head domain. Missense variants in this region have been shown to be significantly overrepresented in individuals with hypertrophic cardiomyopathy (PMID: 27532257). For these reasons, this variant has been classified as Pathogenic.

Ambry Genetics
Classification: Likely pathogenic for Cardiovascular phenotype. Last evaluated: 2025-03-29. Review status: criteria provided, single submitter. Criteria: Ambry Variant Classification Scheme 2023. Collection method: clinical testing. Allele origin: germline. Not counted in ClinVar's aggregate classification.
Comment: The p.R243H variant (also known as c.728G>A), located in coding exon 6 of the MYH7 gene, results from a G to A substitution at nucleotide position 728. The arginine at codon 243 is replaced by histidine, an amino acid with highly similar properties. This alteration is located in the myosin head domain, which contains a statistically significant clustering of pathogenic missense variants (Homburger JR et al. Proc Natl Acad Sci U S A, 2016 06;113:6701-6; Walsh R et al. Genet Med, 2017 02;19:192-203; Ambry internal data). This alteration has been detected in multiple individuals with left ventricular noncompaction (LVNC) and has been reported to segregate with disease in families (Klaassen S et al. Circulation, 2008 Jun;117:2893-901; Chang B et al. Mol. Genet. Metab., 2011 Feb;102:200-6; van Waning JI et al. J. Am. Coll. Cardiol., 2018 Feb;71:711-722; Coban-Akdemir ZH et al. Am J Med Genet A, 2020 06;182:1387-1399; external communication). This variant has also been identified in patients with hypertrophic cardiomyopathy (HCM) and dilated cardiomyopathy (DCM) (Arad M et al. Circulation, 2005 Nov;112:2805-11; external communication). This amino acid position is highly conserved in available vertebrate species. In addition, this alteration is predicted to be deleterious by in silico analysis. Based on the majority of available evidence to date, this variant is likely to be pathogenic.

Laboratory of Genetics, Children's Clinical University Hospital Latvia
Classification: Pathogenic. Last evaluated: 2025-02-16. Review status: criteria provided, single submitter. Criteria: ACMG Guidelines, 2015. Collection method: clinical testing. Allele origin: germline. Affected: yes. Not counted in ClinVar's aggregate classification.

All of Us Research Program, National Institutes of Health
Classification: Uncertain significance for Cardiomyopathy. Last evaluated: 2023-11-30. Review status: criteria provided, single submitter. Criteria: ACMG Guidelines, 2015. Collection method: clinical testing. Allele origin: germline. Inheritance: Autosomal dominant inheritance. Observed: 1 variant allele, 1 heterozygote. Not counted in ClinVar's aggregate classification.
Comment: This study involves interpretation of variants in research participants for the purpose of population health screening. Participant phenotype was not available at the time of variant classification. Additional details can be found in publication PMID: 35346344, PMCID: PMC8962531

Molecular Diagnostic Laboratory for Inherited Cardiovascular Disease, Montreal Heart Institute
Classification: Likely pathogenic for Cardiovascular phenotype. Last evaluated: 2023-11-20. Review status: criteria provided, single submitter. Criteria: ACMG Guidelines, 2015. Collection method: clinical testing. Allele origin: germline. Affected: yes. Not counted in ClinVar's aggregate classification.

CHEO Genetics Diagnostic Laboratory, Children's Hospital of Eastern Ontario
Classification: Likely pathogenic for Cardiomyopathy. Last evaluated: 2022-11-01. Review status: criteria provided, single submitter. Criteria: ACMG Guidelines, 2015. Collection method: clinical testing. Allele origin: germline. Not counted in ClinVar's aggregate classification.

Blueprint Genetics
Classification: Likely pathogenic for MYH7-related disorders. Last evaluated: 2021-10-28. Review status: criteria provided, single submitter. Criteria: ACMG Guidelines, 2015. Collection method: clinical testing. Allele origin: germline. Affected: yes. Observed: 3 variant alleles. Not counted in ClinVar's aggregate classification.